The following is an entry in ClinVar:

Conditions:
Arteriohepatic dysplasia. Also called: Alagille Syndrome. Identifiers: Orphanet 52, MedGen C0085280, MeSH D016738, MONDO:0007318.

Submission:

Gilbert/Spinner Lab, Children's Hospital of Philadelphia
No classification provided (evidence only). Condition: Alagille syndrome. Review status: no classification provided. Collection method: research. Allele origin: not applicable. Functional consequence: functionally_abnormal.
ClinVar note: "not provided" was previously submitted as the classification for the variant. However, the classification appeared to be based only on an observation of functional data so it was converted to no classification on 2025-07-30.

NM_000214.3(JAG1):c.57C>G (p.Ala19=)

Gene: JAG1 (jagged canonical Notch ligand 1; minus strand). Cytogenetic location: 20p12.2.
Variant type: single nucleotide variant.
Coding change: c.57C>G on transcript NM_000214.3 (MANE Select); coding-DNA position 57, C replaced by G.
Protein change: p.Ala19=; no amino-acid change (alanine 19 retained).
Molecular consequence: synonymous variant.
Genome position (GRCh38, 1-based): chr20:10,673,474, G>C on the plus strand (C>G on the coding strand, the complement: JAG1 is on the minus strand). VCF-style: chr20-10673474-G-C. GRCh37 (hg19) VCF-style: chr20-10654122-G-C.
Identifiers: ClinVar variation 3573082 (VCV003573082.2).